The following is an entry in ClinVar:

ClinVar aggregate classification (germline): Likely pathogenic. Review status: criteria provided, single submitter (1 of 4 stars). 2 submissions from 2 submitters: Likely pathogenic (1). 1 of the submissions does not count toward it. Last evaluated 2025-08-17.

Conditions:
Tuberous sclerosis syndrome (TSC). Also called: Tuberous Sclerosis Complex; Tuberous sclerosis. Identifiers: Orphanet 805, MedGen C0041341, MONDO:0001734.
Tuberous sclerosis 2 (TSC2). Identifiers: Orphanet 805, MedGen C1860707, MONDO:0013199, OMIM 613254.

Submissions (2):

Labcorp Genetics (formerly Invitae), Labcorp
Classification: Likely pathogenic for Tuberous sclerosis 2. Last evaluated: 2025-08-17. Review status: criteria provided, single submitter. Criteria: Invitae Variant Classification Sherloc (09022015). Collection method: clinical testing. Allele origin: germline.
Comment: This sequence change replaces alanine, which is neutral and non-polar, with proline, which is neutral and non-polar, at codon 1722 of the TSC2 protein (p.Ala1722Pro). This variant is not present in population databases (gnomAD no frequency). This missense change has been observed in individual(s) with tuberous sclerosis complex (PMID: 15798777; internal data). In at least one individual the variant was observed to be de novo. ClinVar contains an entry for this variant (Variation ID: 65360). Invitae Evidence Modeling of protein sequence and biophysical properties (such as structural, functional, and spatial information, amino acid conservation, physicochemical variation, residue mobility, and thermodynamic stability) has been performed for this missense variant. However, the output from this modeling did not meet the statistical confidence thresholds required to predict the impact of this variant on TSC2 protein function. In summary, the currently available evidence indicates that the variant is pathogenic, but additional data are needed to prove that conclusively. Therefore, this variant has been classified as Likely Pathogenic.

Tuberous sclerosis database (TSC2)
No classification provided. Condition: TSC. Review status: no classification provided. Criteria: Tuberous Sclerosis Database Assertion Criteria 2015. Collection method: curation. Allele origin: germline. Affected: yes. Not counted in ClinVar's aggregate classification.

Literature cited by the submitters: PubMed 15798777 (cited by Labcorp Genetics (formerly Invitae), Labcorp).

NM_000548.5(TSC2):c.5164G>C (p.Ala1722Pro)

Gene: TSC2 (TSC complex subunit 2; plus strand). Cytogenetic location: 16p13.3.
Variant type: single nucleotide variant.
Coding change: c.5164G>C on transcript NM_000548.5 (MANE Select); coding-DNA position 5164, G replaced by C.
Protein change: p.Ala1722Pro; replaces alanine 1722 with proline.
Molecular consequence: missense variant. On other transcripts: intron variant (1).
Genome position (GRCh38, 1-based): chr16:2,088,230, G>C. VCF-style: chr16-2088230-G-C. GRCh37 (hg19) VCF-style: chr16-2138231-G-C.
Other names: c.4963G>C, p.Ala1655Pro (NM_001077183.3); c.5095G>C, p.Ala1699Pro (NM_001114382.3); c.4855G>C, p.Ala1619Pro (NM_001318827.2); c.4819G>C, p.Ala1607Pro (NM_001318829.2); c.4432G>C, p.Ala1478Pro (NM_001318831.2); c.4996G>C, p.Ala1666Pro (NM_001318832.2); c.4966G>C, p.Ala1656Pro (NM_001363528.2); c.5032G>C, p.Ala1678Pro (NM_001370404.1); and 2 more; short protein forms A1722P, A1655P, A1679P, A1478P, A1678P, A1619P, A1656P, A1699P.
Identifiers: ClinVar variation 65360 (VCV000065360.4), dbSNP rs397515270, ClinGen allele CA022052.